The following is an entry in ClinVar:

ClinVar aggregate classification (germline): Conflicting classifications of pathogenicity. Review status: criteria provided, conflicting classifications (1 of 4 stars). 2 submissions from 2 submitters: Uncertain significance (1); Likely benign (1). Last evaluated 2024-06-07.

Conditions:
Mucopolysaccharidosis, MPS-II (MPS2). Also called: Attenuated MPS (subtype; formerly known as mild MPS II); Severe MPS II; I2S deficiency; MPS 2; Hunter Syndrome; Mucopolysaccharidosis with skin involvement. Identifiers: Orphanet 580, Orphanet 79388, MedGen C0026705, MONDO:0010674, OMIM 309900.

Allele frequency attached by ClinVar (database versions not stated): gnomAD exomes 0.00001; ExAC 0.00002.
gnomAD v4.1: 13 of 1,211,031 alleles (0.0011%); highest among the groups gnomAD compares: South Asian, 0.021%; no homozygotes.

Submissions (2):

Laboratory of Diagnosis and Therapy of Lysosomal Disorders, University of Padova
Classification: Uncertain significance for Mucopolysaccharidosis, MPS-II. Last evaluated: 2024-06-07. Review status: criteria provided, single submitter. Criteria: ACMG Guidelines, 2015. Collection method: literature only. Allele origin: germline. Affected: yes. Observed: 1 variant allele.
Comment: Absent from controls (or at low frequency) in gnomAD database (PM2_Moderate), Patient’s phenotype or family history highly specific for the disease (PP4_Moderate)

Classification method: ACMG Guidelines [PMID:25741868] with modifications

Labcorp Genetics (formerly Invitae), Labcorp
Classification: Likely benign for Mucopolysaccharidosis, MPS-II. Last evaluated: 2023-09-10. Review status: criteria provided, single submitter. Criteria: Invitae Variant Classification Sherloc (09022015). Collection method: clinical testing. Allele origin: germline.

Literature cited by the submitters: PubMed 14728992 (cited by Laboratory of Diagnosis and Therapy of Lysosomal Disorders, University of Padova).

NM_000202.8(IDS):c.1007-4C>T

Genes: IDS (iduronate 2-sulfatase; minus strand), LOC106050102 (IDS recombination region; plus strand). Cytogenetic location: Xq28.
Variant type: single nucleotide variant.
Coding change: c.1007-4C>T on transcript NM_000202.8 (MANE Select); 4 bases into the intron before coding-DNA position 1007, C replaced by T.
Molecular consequence: intron variant.
Genome position (GRCh38, 1-based): chrX:149,487,102, G>A on the plus strand (C>T on the coding strand, the complement: IDS is on the minus strand). VCF-style: chrX-149487102-G-A. GRCh37 (hg19) VCF-style: chrX-148568633-G-A.
Other names: c.737-4C>T (NM_001166550.4).
Identifiers: ClinVar variation 1148721 (VCV001148721.12), dbSNP rs781947914, ClinGen allele CA10537508.